The following is an entry in ClinVar:

ClinVar aggregate classification (germline): Likely benign (1 of 4 stars; one submission).

Allele frequency attached by ClinVar (database versions not stated): TOPMed below 0.00001.

Submission:

GeneDx
Classification: Likely benign. Last evaluated: 2016-11-04. Review status: criteria provided, single submitter. Criteria: GeneDx Variant Classification (06012015). Collection method: clinical testing. Allele origin: germline. Affected: yes.
Comment: This variant is considered likely benign or benign based on one or more of the following criteria: it is a conservative change, it occurs at a poorly conserved position in the protein, it is predicted to be benign by multiple in silico algorithms, and/or has population frequency not consistent with disease.

NM_020433.5(JPH2):c.1635C>T (p.Ile545=)

Gene: JPH2 (junctophilin 2; minus strand). Cytogenetic location: 20q13.12.
Variant type: single nucleotide variant.
Coding change: c.1635C>T on transcript NM_020433.5 (MANE Select); coding-DNA position 1635, C replaced by T.
Protein change: p.Ile545=; no amino-acid change (isoleucine 545 retained).
Molecular consequence: synonymous variant.
Genome position (GRCh38, 1-based): chr20:44,116,040, G>A on the plus strand (C>T on the coding strand, the complement: JPH2 is on the minus strand). VCF-style: chr20-44116040-G-A. GRCh37 (hg19) VCF-style: chr20-42744680-G-A.
Identifiers: ClinVar variation 390507 (VCV000390507.1), dbSNP rs964166503, ClinGen allele CA16608356.